The following is an entry in ClinVar:

ClinVar aggregate classification (germline): Uncertain significance (1 of 4 stars; one submission).

Conditions:
ATP10A-related disorder. Also called: ATP10A-related condition.

Submission:

PreventionGenetics, part of Exact Sciences
Classification: Uncertain significance for ATP10A-related condition. Last evaluated: 2026-02-26. Review status: criteria provided, single submitter. Criteria: ACMG Guidelines, 2015. Collection method: clinical testing. Allele origin: germline.
Comment: The ATP10A c.1768C>G variant is predicted to result in the amino acid substitution p.Arg590Gly. To our knowledge, this variant has not been reported in the literature or in a large population database (gnomAD), indicating this variant is rare. At this time, the clinical significance of this variant is uncertain due to the absence of conclusive functional and genetic evidence.

NM_024490.4(ATP10A):c.1768C>G (p.Arg590Gly)

Gene: ATP10A (ATPase phospholipid transporting 10A (putative); minus strand). Cytogenetic location: 15q12.
Variant type: single nucleotide variant.
Coding change: c.1768C>G on transcript NM_024490.4 (MANE Select); coding-DNA position 1768, C replaced by G.
Protein change: p.Arg590Gly; replaces arginine 590 with glycine.
Molecular consequence: missense variant.
Genome position (GRCh38, 1-based): chr15:25,716,738, G>C on the plus strand (C>G on the coding strand, the complement: ATP10A is on the minus strand). VCF-style: chr15-25716738-G-C. GRCh37 (hg19) VCF-style: chr15-25961885-G-C.
Other names: short protein forms R590G.
Identifiers: ClinVar variation 2636837 (VCV002636837.3), dbSNP rs149299773, ClinGen allele CA391371001.